The following is an entry in ClinVar:

ClinVar aggregate classification (germline): Uncertain significance. Review status: criteria provided, multiple submitters, no conflicts (2 of 4 stars). 2 submissions from 2 submitters: Uncertain significance (2). Last evaluated 2024-03-30.

Conditions:
Jeune thoracic dystrophy. Also called: Infantile thoracic dystrophy; Thoracic pelvic phalangeal dystrophy; Jeune's syndrome; Chondroectodermal dysplasia-like syndrome; Short-rib thoracic dysplasia; Jeune syndrome. Identifiers: Orphanet 474, MedGen C0265275, MONDO:0018770.
Nephronophthisis. Also called: Juvenile Nephronophthisis. Identifiers: Orphanet 655, MedGen C0687120, MONDO:0019005, HP:0000090.
Nephronophthisis 12 (NPHP12). Identifiers: Orphanet 655, MedGen C3151186, MONDO:0013442, OMIM 613820.
Asphyxiating thoracic dystrophy 4 (SRTD4). Also called: SHORT-RIB THORACIC DYSPLASIA 4 WITH OR WITHOUT POLYDACTYLY; SHORT-RIB THORACIC DYSPLASIA 4. Identifiers: Orphanet 474, MedGen C3151185, MONDO:0013441, OMIM 613819.

Allele frequency attached by ClinVar (database versions not stated): TOPMed 0.00002; gnomAD 0.00003.
gnomAD v4.1: 14 of 1,602,560 alleles (0.00087%); highest among the groups gnomAD compares: African/African-American, 0.004%; no homozygotes.

Submissions (2):

Fulgent Genetics
Classification: Uncertain significance for Asphyxiating thoracic dystrophy 4; Nephronophthisis 12. Last evaluated: 2024-03-30. Review status: criteria provided, single submitter. Criteria: ACMG Guidelines, 2015. Collection method: clinical testing. Allele origin: germline.

Labcorp Genetics (formerly Invitae), Labcorp
Classification: Uncertain significance for Jeune thoracic dystrophy; Nephronophthisis. Last evaluated: 2023-10-16. Review status: criteria provided, single submitter. Criteria: Invitae Variant Classification Sherloc (09022015). Collection method: clinical testing. Allele origin: germline.
Comment: This sequence change replaces isoleucine, which is neutral and non-polar, with threonine, which is neutral and polar, at codon 1286 of the TTC21B protein (p.Ile1286Thr). This variant is present in population databases (no rsID available, gnomAD 0.003%). This missense change has been observed in individual(s) with asphyxiating thoracic dystrophy (PMID: 33875766). In at least one individual the data is consistent with being in trans (on the opposite chromosome) from a pathogenic variant. Advanced modeling of protein sequence and biophysical properties (such as structural, functional, and spatial information, amino acid conservation, physicochemical variation, residue mobility, and thermodynamic stability) has been performed at Invitae for this missense variant, however the output from this modeling did not meet the statistical confidence thresholds required to predict the impact of this variant on TTC21B protein function. In summary, the available evidence is currently insufficient to determine the role of this variant in disease. Therefore, it has been classified as a Variant of Uncertain Significance.

Literature cited by the submitters: PubMed 33875766 (cited by Labcorp Genetics (formerly Invitae), Labcorp).

NM_024753.5(TTC21B):c.3857T>C (p.Ile1286Thr)

Gene: TTC21B (tetratricopeptide repeat domain 21B; minus strand). Cytogenetic location: 2q24.3.
Variant type: single nucleotide variant.
Coding change: c.3857T>C on transcript NM_024753.5 (MANE Select); coding-DNA position 3857, T replaced by C.
Protein change: p.Ile1286Thr; replaces isoleucine 1286 with threonine.
Molecular consequence: missense variant.
Genome position (GRCh38, 1-based): chr2:165,876,181, A>G on the plus strand (T>C on the coding strand, the complement: TTC21B is on the minus strand). VCF-style: chr2-165876181-A-G. GRCh37 (hg19) VCF-style: chr2-166732691-A-G.
Other names: short protein forms I1286T.
Identifiers: ClinVar variation 2930577 (VCV002930577.4), dbSNP rs1039268887, ClinGen allele CA59764660.
Genomic context (GRCh38, chr2:165,876,181, plus strand): 5'-TGTGCATCTGAAAAATTTTAAGAAATCTAAATTTAAGTGTTTACCTGGTGACATATGTCA[A>G]TTGAATCCACATATCTTTTTGCTTTTAAGTAATTAAATGCCAGTTTGTATCCTGTTAAGA-3'
Protein context (NP_079029.3, residues 1276-1296): YLKAKRYVDS[Ile1286Thr]DICHQVLEAH